The following is an entry in ClinVar:

NM_001365276.2(TNXB):c.6433G>A (p.Glu2145Lys)

Gene: TNXB (tenascin XB; minus strand). Cytogenetic location: 6p21.33.
Variant type: single nucleotide variant.
Coding change: c.6433G>A on transcript NM_001365276.2 (MANE Select); coding-DNA position 6433, G replaced by A.
Protein change: p.Glu2145Lys; replaces glutamic acid 2145 with lysine.
Molecular consequence: missense variant.
Genome position (GRCh38, 1-based): chr6:32,067,772, C>T on the plus strand (G>A on the coding strand, the complement: TNXB is on the minus strand). VCF-style: chr6-32067772-C-T. GRCh37 (hg19) VCF-style: chr6-32035549-C-T.
Other names: c.6433G>A, p.Glu2145Lys (NM_019105.8); short protein forms E2145K.
Identifiers: ClinVar variation 1753507 (VCV001753507.2), dbSNP rs2483562318, ClinGen allele CA363399397.

ClinVar aggregate classification (germline): Uncertain significance (1 of 4 stars; one submission).

Conditions:
Cardiovascular phenotype. Identifiers: MedGen CN230736.

Allele frequency attached by ClinVar (database versions not stated): gnomAD exomes below 0.00001.
gnomAD v4.1: 6 of 1,613,702 alleles (0.00037%); highest among the groups gnomAD compares: Non-Finnish European, 0.00042%; no homozygotes.

Submission:

Ambry Genetics
Classification: Uncertain significance for Cardiovascular phenotype. Last evaluated: 2021-09-26. Review status: criteria provided, single submitter. Criteria: Ambry Variant Classification Scheme 2023. Collection method: clinical testing. Allele origin: germline.
Comment: The p.E2145K variant (also known as c.6433G>A), located in coding exon 17 of the TNXB gene, results from a G to A substitution at nucleotide position 6433. The glutamic acid at codon 2145 is replaced by lysine, an amino acid with similar properties. This amino acid position is conserved. In addition, this alteration is predicted to be tolerated by in silico analysis. Since supporting evidence is limited at this time, the clinical significance of this alteration remains unclear.